The following is an entry in ClinVar:

ClinVar aggregate classification (germline): Uncertain significance (1 of 4 stars; one submission).

Conditions:
DCTN1-related disorder. Also called: DCTN1-related condition.

Submission:

PreventionGenetics, part of Exact Sciences
Classification: Uncertain significance for DCTN1-related condition. Last evaluated: 2026-08-11. Review status: criteria provided, single submitter. Criteria: ACMG Guidelines, 2015. Collection method: clinical testing. Allele origin: germline.
Comment: The DCTN1 c.794T>C variant is predicted to result in the amino acid substitution p.Met265Thr. To our knowledge, this variant has not been reported in the literature or in a large population database (gnomAD), indicating this variant is rare. At this time, the clinical significance of this variant is uncertain due to the absence of conclusive functional and genetic evidence.

NM_004082.5(DCTN1):c.794T>C (p.Met265Thr)

Gene: DCTN1 (dynactin subunit 1; minus strand). Cytogenetic location: 2p13.1.
Variant type: single nucleotide variant.
Coding change: c.794T>C on transcript NM_004082.5 (MANE Select); coding-DNA position 794, T replaced by C.
Protein change: p.Met265Thr; replaces methionine 265 with threonine.
Molecular consequence: missense variant. On other transcripts: non-coding transcript variant (1).
Genome position (GRCh38, 1-based): chr2:74,371,028, A>G on the plus strand (T>C on the coding strand, the complement: DCTN1 is on the minus strand). VCF-style: chr2-74371028-A-G. GRCh37 (hg19) VCF-style: chr2-74598155-A-G.
Other names: c.734T>C, p.Met245Thr (NM_001135040.3); c.392T>C, p.Met131Thr (NM_001135041.3, NM_023019.4); c.683T>C, p.Met228Thr (NM_001190836.2); c.773T>C, p.Met258Thr (NM_001190837.2); c.743T>C, p.Met248Thr (NM_001378991.1); c.725T>C, p.Met242Thr (NM_001378992.1); short protein forms M228T, M258T, M131T, M242T, M248T, M245T, M265T.
Identifiers: ClinVar variation 4996249 (VCV004996249.1).
Genomic context (GRCh38, chr2:74,371,028, plus strand): 5'-CAGAGTCAAACCTTTCTCGCCTCCTTGAGGCGCCGCTGCAGGTCGGCCTGCTGCTCCTGC[A>G]TTTTGCTCTTCCATTCCTGCACCTGCTCCAGCTGGATTTTGTGTTTCTCCAGCTCTTTTA-3'
Protein context (NP_004073.2, residues 255-275): LEQVQEWKSK[Met265Thr]QEQQADLQRR